The following is an entry in ClinVar:

ClinVar aggregate classification (germline): Uncertain significance. Review status: criteria provided, multiple submitters, no conflicts (2 of 4 stars). 4 submissions from 4 submitters: Uncertain significance (4). Last evaluated 2025-11-05.

Conditions:
Neurodevelopmental disorder with or without hyperkinetic movements and seizures, autosomal dominant. Also called: Intellectual disability, autosomal dominant 8. Identifiers: MedGen C3280282, MONDO:0013655, OMIM 614254.
Inborn genetic diseases. Identifiers: MedGen C0950123, MeSH D030342.

Allele frequency attached by ClinVar (database versions not stated): TOPMed 0.00001; gnomAD 0.00003.
gnomAD v4.1: 6 of 1,612,346 alleles (0.00037%); highest among the groups gnomAD compares: Non-Finnish European, 0.00051%; no homozygotes.

Submissions (4):

Labcorp Genetics (formerly Invitae), Labcorp
Classification: Uncertain significance for Neurodevelopmental disorder with or without hyperkinetic movements and seizures, autosomal dominant. Last evaluated: 2025-11-05. Review status: criteria provided, single submitter. Criteria: Invitae Variant Classification Sherloc (09022015). Collection method: clinical testing. Allele origin: germline.
Comment: This sequence change replaces aspartic acid, which is acidic and polar, with glycine, which is neutral and non-polar, at codon 461 of the GRIN1 protein (p.Asp461Gly). This variant is present in population databases (no rsID available, gnomAD 0.002%). This variant has not been reported in the literature in individuals affected with GRIN1-related conditions. ClinVar contains an entry for this variant (Variation ID: 521271). Invitae Evidence Modeling of protein sequence and biophysical properties (such as structural, functional, and spatial information, amino acid conservation, physicochemical variation, residue mobility, and thermodynamic stability) has been performed for this missense variant. However, the output from this modeling did not meet the statistical confidence thresholds required to predict the impact of this variant on GRIN1 protein function. In summary, the available evidence is currently insufficient to determine the role of this variant in disease. Therefore, it has been classified as a Variant of Uncertain Significance.

Women's Health and Genetics/Laboratory Corporation of America, LabCorp
Classification: Uncertain significance. Last evaluated: 2024-03-12. Review status: criteria provided, single submitter. Criteria: LabCorp Variant Classification Summary - May 2015. Collection method: clinical testing. Allele origin: germline.
Comment: Variant summary: GRIN1 c.1382A>G (p.Asp461Gly) results in a non-conservative amino acid change located in the Ionotropic glutamate receptor, C-terminal domain (IPR001320) of the encoded protein sequence. Four of five in-silico tools predict a damaging effect of the variant on protein function. The variant allele was found at a frequency of 4e-06 in 249408 control chromosomes (gnomAD). The available data on variant occurrences in the general population are insufficient to allow any conclusion about variant significance. To our knowledge, no occurrence of c.1382A>G in individuals affected with Neurodevelopmental Disorder With Or Without Hyperkinetic Movements And Seizures, Autosomal Dominant and no experimental evidence demonstrating its impact on protein function have been reported. ClinVar contains an entry for this variant (Variation ID: 521271). Based on the evidence outlined above, the variant was classified as uncertain significance.

GeneDx
Classification: Uncertain significance. Last evaluated: 2021-09-14. Review status: criteria provided, single submitter. Criteria: GeneDx Variant Classification Process June 2021. Collection method: clinical testing. Allele origin: germline. Affected: yes.
Comment: Has not been previously published as pathogenic or benign to our knowledge; In silico analysis supports that this missense variant has a deleterious effect on protein structure/function

Ambry Genetics
Classification: Uncertain significance for Inborn genetic diseases. Last evaluated: 2017-01-24. Review status: criteria provided, single submitter. Criteria: Ambry exome assertion method (8-5-2015). Collection method: clinical testing. Allele origin: germline. Affected: yes. Observed: 1 variant allele.

NM_007327.4(GRIN1):c.1382A>G (p.Asp461Gly)

Gene: GRIN1 (glutamate ionotropic receptor NMDA type subunit 1; plus strand). Cytogenetic location: 9q34.3.
Variant type: single nucleotide variant.
Coding change: c.1382A>G on transcript NM_007327.4 (MANE Select); coding-DNA position 1382, A replaced by G.
Protein change: p.Asp461Gly; replaces aspartic acid 461 with glycine.
Molecular consequence: missense variant.
Genome position (GRCh38, 1-based): chr9:137,161,331, A>G. VCF-style: chr9-137161331-A-G. GRCh37 (hg19) VCF-style: chr9-140055783-A-G.
Other names: c.1382A>G, p.Asp461Gly (NM_000832.7, NM_021569.4); c.1445A>G, p.Asp482Gly (NM_001185090.2, NM_001185091.2); short protein forms D461G, D482G.
Identifiers: ClinVar variation 521271 (VCV000521271.17), dbSNP rs955781126, ClinGen allele CA375716562.